The following is an entry in ClinVar:

ClinVar aggregate classification (germline): Uncertain significance. Review status: criteria provided, multiple submitters, no conflicts (2 of 4 stars). 5 submissions from 5 submitters: Uncertain significance (5). Last evaluated 2026-04-27.

Conditions:
Joubert syndrome 5 (JBTS5). Identifiers: Orphanet 2318, MedGen C1857780, MONDO:0012432, OMIM 610188.
Bardet-Biedl syndrome 14 (BBS14). Identifiers: Orphanet 110, MedGen C2673874, MONDO:0014442, OMIM 615991.
Meckel syndrome, type 4 (MKS4). Also called: MECKEL-GRUBER SYNDROME, TYPE 4. Identifiers: Orphanet 564, MedGen C1970161, MONDO:0012626, OMIM 611134.
Senior-Loken syndrome 6 (SLSN6). Identifiers: Orphanet 3156, MedGen C1857779, MONDO:0012433, OMIM 610189.
Leber congenital amaurosis 10 (LCA10). Identifiers: Orphanet 65, MedGen C1857821, MONDO:0012723, OMIM 611755.
CEP290-related disorder. Also called: CEP290-related disorders; CEP290-related condition. Identifiers: MedGen CN239314.
Nephronophthisis. Also called: Juvenile Nephronophthisis. Identifiers: Orphanet 655, MedGen C0687120, MONDO:0019005, HP:0000090.
Joubert syndrome. Also called: Familial aplasia of the vermis; JOUBERT-BOLTSHAUSER SYNDROME. Identifiers: Orphanet 475, MedGen C5979921, MONDO:0018772.
Meckel-Gruber syndrome. Also called: Dysencephalia splachnocystica; DYSENCEPHALIA SPLANCHNOCYSTICA; GRUBER SYNDROME. Identifiers: Orphanet 564, MedGen C0265215, MONDO:0018921.

Submissions (5):

PreventionGenetics, part of Exact Sciences
Classification: Uncertain significance for CEP290-related condition. Last evaluated: 2026-04-27. Review status: criteria provided, single submitter. Criteria: ACMG Guidelines, 2015. Collection method: clinical testing. Allele origin: germline.
Comment: The CEP290 c.3520_3522delCAA variant is predicted to result in an in-frame deletion (p.Gln1174del). This variant was reported in the heterozygous state along with c.904A>G (p.Ile302Val) in an individual with spermatogenic failure (Hardy et al. 2022. PubMed ID: 35849255). This variant is reported in 0.031% of alleles in individuals of African descent in gnomAD. The gnomAD co-occurrence calculator predicts that this variant and the c.904A>G (p.Ile302Val) variant are a part of the same haplotype. At this time, the clinical significance of this variant is uncertain due to the absence of conclusive functional and genetic evidence.

Labcorp Genetics (formerly Invitae), Labcorp
Classification: Uncertain significance for Joubert syndrome; Meckel-Gruber syndrome; Nephronophthisis. Last evaluated: 2025-05-04. Review status: criteria provided, single submitter. Criteria: Invitae Variant Classification Sherloc (09022015). Collection method: clinical testing. Allele origin: germline.
Comment: This variant, c.3520_3522del, results in the deletion of 1 amino acid(s) of the CEP290 protein (p.Gln1174del), but otherwise preserves the integrity of the reading frame. This variant is present in population databases (rs749010290, gnomAD 0.03%). This variant has been observed in individual(s) with CEP290-related conditions (internal data). Experimental studies and prediction algorithms are not available or were not evaluated, and the functional significance of this variant is currently unknown. In summary, the available evidence is currently insufficient to determine the role of this variant in disease. Therefore, it has been classified as a Variant of Uncertain Significance.

GeneDx
Classification: Uncertain significance. Last evaluated: 2025-02-10. Review status: criteria provided, single submitter. Criteria: GeneDx Variant Classification Process June 2021. Collection method: clinical testing. Allele origin: germline. Affected: yes.
Comment: Observed in a patient with spermatogenic failure who harbored a second CEP290 variant in unknown phase, as well as an additional variant in a different gene (PMID: 35849255); In-frame deletion of 1 amino acid in a non-repeat region; In silico analysis supports a deleterious effect on protein structure/function; This variant is associated with the following publications: (PMID: 35849255)

Fulgent Genetics
Classification: Uncertain significance for Joubert syndrome 5; Senior-Loken syndrome 6; Meckel syndrome, type 4; Leber congenital amaurosis 10; Bardet-Biedl syndrome 14. Last evaluated: 2024-05-24. Review status: criteria provided, single submitter. Criteria: ACMG Guidelines, 2015. Collection method: clinical testing. Allele origin: germline.

Blueprint Genetics
Classification: Uncertain significance. Last evaluated: 2020-11-25. Review status: criteria provided, single submitter. Criteria: ACMG Guidelines, 2015. Collection method: clinical testing. Allele origin: germline.

NM_025114.4(CEP290):c.3514CAA[2] (p.Gln1174del)

Gene: CEP290 (centrosomal protein 290; minus strand). Cytogenetic location: 12q21.32.
Variant type: Microsatellite.
Coding change: c.3514CAA[2] on transcript NM_025114.4 (MANE Select); two copies in a row of the 3-base unit CAA starting at c.3514; the reference has three copies in a row; one copy, 3 bases deleted; also written c.3520_3522del.
Protein change: p.Gln1174del; deletes glutamine 1174.
Molecular consequence: inframe deletion.
Genome position (GRCh38, 1-based): chr12:88,090,779-88,090,781, TTG deleted on the plus strand (CAA on the coding strand, the reverse complement: CEP290 is on the minus strand); deleting any 3 consecutive bases within chr12:88,090,779-88,090,788 gives the same sequence; the position shown is the placement nearest the transcript's 3' end. VCF-style (leftmost placement, unchanged base first): chr12-88090778-ATTG-A. GRCh37 (hg19) VCF-style: chr12-88484555-ATTG-A.
Other names: c.3520_3522delCAA (NM_025114.3); c.3520_3522del (NM_025114.4, NM_025114.3); short protein forms Q1174del.
Identifiers: ClinVar variation 1511754 (VCV001511754.11), dbSNP rs749010290, ClinGen allele CA6712124.
Genomic context (GRCh38, chr12:88,090,778, plus strand): 5'-CTGCACATACCTGATAGTCTAGCAGTTGCATTCTGAGGGACTCTACTTCCTTGTCCCTAG[ATTG>A]TTGTTGTGCATTCAAAATTTCAACTTGTCTTCTGGCAATATCAGAAATCTCTCTCAGTCT-3'